The following is an entry in ClinVar:

NM_001375524.1(TRRAP):c.7639A>G (p.Thr2547Ala)

Gene: TRRAP (transformation/transcription domain associated protein; plus strand). Cytogenetic location: 7q22.1.
Variant type: single nucleotide variant.
Coding change: c.7639A>G on transcript NM_001375524.1 (MANE Select); coding-DNA position 7639, A replaced by G.
Protein change: p.Thr2547Ala; replaces threonine 2547 with alanine.
Molecular consequence: missense variant.
Genome position (GRCh38, 1-based): chr7:98,970,238, A>G. VCF-style: chr7-98970238-A-G. GRCh37 (hg19) VCF-style: chr7-98567861-A-G.
Other names: c.7618A>G (NM_001244580.1); c.7618A>G, p.Thr2540Ala (NM_001244580.2); c.7564A>G, p.Thr2522Ala (NM_003496.4); short protein forms T2540A, T2522A, T2547A.
Identifiers: ClinVar variation 3020404 (VCV003020404.4), dbSNP rs1171224038, ClinGen allele CA368296456.

ClinVar aggregate classification (germline): Uncertain significance. Review status: criteria provided, multiple submitters, no conflicts (2 of 4 stars). 2 submissions from 2 submitters: Uncertain significance (2). Last evaluated 2025-08-13.

Conditions:
Inborn genetic diseases. Identifiers: MedGen C0950123, MeSH D030342.

Allele frequency attached by ClinVar (database versions not stated): gnomAD 0.00001; TOPMed below 0.00001.
gnomAD v4.1: 53 of 1,613,518 alleles (0.0033%); highest among the groups gnomAD compares: Non-Finnish European, 0.0045%; no homozygotes.

Submissions (2):

Ambry Genetics
Classification: Uncertain significance for Inborn genetic diseases. Last evaluated: 2025-08-13. Review status: criteria provided, single submitter. Criteria: Ambry Variant Classification Scheme 2023. Collection method: clinical testing. Allele origin: germline.

Labcorp Genetics (formerly Invitae), Labcorp
Classification: Uncertain significance. Last evaluated: 2025-01-30. Review status: criteria provided, single submitter. Criteria: Invitae Variant Classification Sherloc (09022015). Collection method: clinical testing. Allele origin: germline.
Comment: This sequence change replaces threonine, which is neutral and polar, with alanine, which is neutral and non-polar, at codon 2522 of the TRRAP protein (p.Thr2522Ala). This variant is present in population databases (no rsID available, gnomAD 0.003%). This variant has not been reported in the literature in individuals affected with TRRAP-related conditions. ClinVar contains an entry for this variant (Variation ID: 3020404). An algorithm developed to predict the effect of missense changes on protein structure and function (PolyPhen-2) suggests that this variant is likely to be tolerated. In summary, the available evidence is currently insufficient to determine the role of this variant in disease. Therefore, it has been classified as a Variant of Uncertain Significance.